The following is an entry in ClinVar:

ClinVar aggregate classification (germline): Uncertain significance (1 of 4 stars; one submission).

Conditions:
ITSN1-related disorder. Also called: ITSN1-related condition.

Submission:

PreventionGenetics, part of Exact Sciences
Classification: Uncertain significance for ITSN1-related condition. Last evaluated: 2026-05-26. Review status: criteria provided, single submitter. Criteria: ACMG Guidelines, 2015. Collection method: clinical testing. Allele origin: germline.
Comment: The ITSN1 c.4544_4552del9 variant is predicted to result in an in-frame deletion (p.Met1515_Lys1517del). To our knowledge, this variant has not been reported in the literature or in a large population database (gnomAD), indicating this variant is rare. At this time, the clinical significance of this variant is uncertain due to the absence of conclusive functional and genetic evidence.

NM_003024.3(ITSN1):c.4544_4552del (p.Met1515_Lys1517del)

Gene: ITSN1 (intersectin 1; plus strand). Cytogenetic location: 21q22.11.
Variant type: Deletion.
Coding change: c.4544_4552del on transcript NM_003024.3 (MANE Select); coding-DNA positions 4544 to 4552, 9 bases deleted (TGTATAAAA; older notation c.4544_4552delTGTATAAAA).
Protein change: p.Met1515_Lys1517del.
Molecular consequence: inframe deletion.
Genome position (GRCh38, 1-based): chr21:33,882,445-33,882,453, TGTATAAAA deleted; deleting any 9 consecutive bases within chr21:33,882,437-33,882,453 gives the same sequence; the c. name uses the placement nearest the transcript's 3' end. VCF-style (leftmost placement, unchanged base first): chr21-33882436-AGTATAAAAT-A. GRCh37 (hg19) VCF-style: chr21-35254740-AGTATAAAAT-A.
Other names: c.4529_4537del, p.Met1510_Lys1512del (NM_001331010.2).
Identifiers: ClinVar variation 4994064 (VCV004994064.1).